The following is an entry in ClinVar:

NM_031935.3(HMCN1):c.9377G>T (p.Gly3126Val)

Gene: HMCN1 (hemicentin 1; plus strand). Cytogenetic location: 1q31.1.
Variant type: single nucleotide variant.
Coding change: c.9377G>T on transcript NM_031935.3 (MANE Select); coding-DNA position 9377, G replaced by T.
Protein change: p.Gly3126Val; replaces glycine 3126 with valine.
Molecular consequence: missense variant.
Genome position (GRCh38, 1-based): chr1:186,087,945, G>T. VCF-style: chr1-186087945-G-T. GRCh37 (hg19) VCF-style: chr1-186057077-G-T.
Other names: short protein forms G3126V.
Identifiers: ClinVar variation 1917164 (VCV001917164.5), dbSNP rs146544923, ClinGen allele CA1293405.

ClinVar aggregate classification (germline): Uncertain significance (1 of 4 stars; one submission).

gnomAD v4.1: 20 of 1,612,534 alleles (0.0012%); highest among the groups gnomAD compares: African/African-American, 0.0053%; no homozygotes.

Submission:

Labcorp Genetics (formerly Invitae), Labcorp
Classification: Uncertain significance. Last evaluated: 2024-10-02. Review status: criteria provided, single submitter. Criteria: Invitae Variant Classification Sherloc (09022015). Collection method: clinical testing. Allele origin: germline.
Comment: This sequence change replaces glycine, which is neutral and non-polar, with valine, which is neutral and non-polar, at codon 3126 of the HMCN1 protein (p.Gly3126Val). This variant is present in population databases (rs146544923, gnomAD 0.01%). This variant has not been reported in the literature in individuals affected with HMCN1-related conditions. ClinVar contains an entry for this variant (Variation ID: 1917164). An algorithm developed to predict the effect of missense changes on protein structure and function (PolyPhen-2) suggests that this variant is likely to be disruptive. In summary, the available evidence is currently insufficient to determine the role of this variant in disease. Therefore, it has been classified as a Variant of Uncertain Significance.